The following is an entry in ClinVar:

NM_183357.3(ADCY5):c.251G>T (p.Ser84Ile)

Gene: ADCY5 (adenylate cyclase 5; minus strand). Cytogenetic location: 3q21.1.
Variant type: single nucleotide variant.
Coding change: c.251G>T on transcript NM_183357.3 (MANE Select); coding-DNA position 251, G replaced by T.
Protein change: p.Ser84Ile; replaces serine 84 with isoleucine.
Molecular consequence: missense variant.
Genome position (GRCh38, 1-based): chr3:123,448,295, C>A on the plus strand (G>T on the coding strand, the complement: ADCY5 is on the minus strand). VCF-style: chr3-123448295-C-A. GRCh37 (hg19) VCF-style: chr3-123167142-C-A.
Other names: c.251G>T, p.Ser84Ile (NM_001378259.1); short protein forms S84I.
Identifiers: ClinVar variation 4888034 (VCV004888034.1).
Genomic context (GRCh38, chr3:123,448,295, plus strand): 5'-TGCCAGGCGGACTTGGAGCGGAAGCTGAAGCCGAAGCCCCCGGCCAGGGGGTCGTCACCG[C>A]TCAGCGGAGGATCGTCGTCGTCGTCGCTGCGCCAGCGGCTGGCCAGGCGCTGCTGCTGCT-3'
Protein context (NP_899200.1, residues 74-94): RSDDDDDPPL[Ser84Ile]GDDPLAGGFG

ClinVar aggregate classification (germline): Uncertain significance (1 of 4 stars; one submission).

Submission:

GeneDx
Classification: Uncertain significance. Last evaluated: 2026-01-30. Review status: criteria provided, single submitter. Criteria: GeneDx Variant Classification Process June 2021. Collection method: clinical testing. Allele origin: germline.
Comment: Not observed at significant frequency in large population cohorts (gnomAD); In silico analysis suggests that this missense variant does not alter protein structure/function; Has not been previously published as pathogenic or benign to our knowledge